The following is an entry in ClinVar:

NM_000275.3(OCA2):c.1117-11T>A

Gene: OCA2 (OCA2 melanosomal transmembrane protein; minus strand). Cytogenetic location: 15q13.1.
Variant type: single nucleotide variant.
Coding change: c.1117-11T>A on transcript NM_000275.3 (MANE Select); 11 bases into the intron before coding-DNA position 1117, T replaced by A.
Molecular consequence: intron variant.
Genome position (GRCh38, 1-based): chr15:27,989,677, A>T on the plus strand (T>A on the coding strand, the complement: OCA2 is on the minus strand). VCF-style: chr15-27989677-A-T. GRCh37 (hg19) VCF-style: chr15-28234823-A-T.
Other names: c.1045-11T>A (NM_001300984.2).
Identifiers: ClinVar variation 5003993 (VCV005003993.1).
Genomic context (GRCh38, chr15:27,989,677, plus strand): 5'-GCCAGCGTCTCAAAATCAATCCACTCCACCACATGGGTCAGGCTGGGTCTCTGCAATCAA[A>T]GCACAAATTTGCCAATTAATCCGTGCGCCGCCATCCCAGTGATGAGCCTAATGAAGCGCT-3'

ClinVar aggregate classification (germline): Uncertain significance (1 of 4 stars; one submission).

Conditions:
Tyrosinase-positive oculocutaneous albinism (OCA2). Also called: Oculocutaneous albinism type 2; Albinism, oculocutaneous, type II; ALBINISM II. Identifiers: Orphanet 79432, MedGen C0268495, MONDO:0008746, OMIM 203200.

gnomAD v4.1: 1 of 1,613,980 alleles (0.000062%); highest among the groups gnomAD compares: Non-Finnish European, 0.000085%; no homozygotes.

Submission:

Myriad Genetics, Inc.
Classification: Uncertain significance for Tyrosinase-positive oculocutaneous albinism. Last evaluated: 2025-12-26. Review status: criteria provided, single submitter. Criteria: Myriad Autosomal Dominant, Autosomal Recessive and X-Linked Classification Criteria (2023). Collection method: clinical testing. Allele origin: unknown.
Comment: NM_000275.2(OCA2):c.1117-11T>A is an intronic variant classified as a variant of uncertain significance in the context of oculocutaneous albinism, OCA2-related. c.1117-11T>A has been observed in a case with relevant disease (PMID: 35803923, 29345414). Relevant functional assessments of this variant are not available in the literature. c.1117-11T>A has not been observed in referenced population frequency databases. In summary, there is insufficient evidence to classify NM_000275.2(OCA2):c.1117-11T>A as pathogenic or benign. Please note: this variant was assessed in the context of healthy population screening.

Literature cited by the submitters: PubMed 29345414; PubMed 35803923.